The following is an entry in ClinVar:

NM_004655.4(AXIN2):c.2206C>T (p.Pro736Ser)

Gene: AXIN2 (axin 2; minus strand). Cytogenetic location: 17q24.1.
Variant type: single nucleotide variant.
Coding change: c.2206C>T on transcript NM_004655.4 (MANE Select); coding-DNA position 2206, C replaced by T.
Protein change: p.Pro736Ser; replaces proline 736 with serine.
Molecular consequence: missense variant.
Genome position (GRCh38, 1-based): chr17:65,535,657, G>A on the plus strand (C>T on the coding strand, the complement: AXIN2 is on the minus strand). VCF-style: chr17-65535657-G-A. GRCh37 (hg19) VCF-style: chr17-63531775-G-A.
Other names: c.2206C>T (LRG_296t1); c.2011C>T, p.Pro671Ser (NM_001363813.1); short protein forms P736S, P671S.
Identifiers: ClinVar variation 570274 (VCV000570274.16), dbSNP rs951676348, ClinGen allele CA293097593.
Genomic context (GRCh38, chr17:65,535,657, plus strand): 5'-TCTCAGTAATGTCAGGTAAAGACACTCACTCTTCTGGAGCCAGGCTTGGATTGGAGAAGG[G>A]TGTGGCTCCCGTCTGAACAGTGGCCGAATGATTCCTGTCCCTCTGCTGACTGGCCACACA-3'
Protein context (NP_004646.3, residues 726-746): HSATVQTGAT[Pro736Ser]FSNPSLAPED

ClinVar aggregate classification (germline): Conflicting classifications of pathogenicity. Review status: criteria provided, conflicting classifications (1 of 4 stars). 4 submissions from 4 submitters: Uncertain significance (3); Likely benign (1). Last evaluated 2026-03-23.

Conditions:
Hereditary cancer-predisposing syndrome. Also called: Tumor predisposition; Hereditary Cancer Syndrome; Neoplastic Syndromes, Hereditary; Hereditary neoplastic syndrome. Identifiers: Orphanet 140162, MedGen C0027672, MeSH D009386, MONDO:0015356.
Oligodontia-cancer predisposition syndrome. Also called: TOOTH AGENESIS-COLORECTAL CANCER SYNDROME. Identifiers: Orphanet 300576, MedGen C1837750, MONDO:0012075, OMIM 608615. Disease mechanism: loss of function.

Submissions (4):

Ambry Genetics
Classification: Likely benign for Hereditary cancer-predisposing syndrome. Last evaluated: 2026-03-23. Review status: criteria provided, single submitter. Criteria: Ambry Variant Classification Scheme 2023. Collection method: clinical testing. Allele origin: germline.

Labcorp Genetics (formerly Invitae), Labcorp
Classification: Uncertain significance for Oligodontia-cancer predisposition syndrome. Last evaluated: 2025-08-29. Review status: criteria provided, single submitter. Criteria: Invitae Variant Classification Sherloc (09022015). Collection method: clinical testing. Allele origin: germline.
Comment: This sequence change replaces proline, which is neutral and non-polar, with serine, which is neutral and polar, at codon 736 of the AXIN2 protein (p.Pro736Ser). This variant is present in population databases (no rsID available, gnomAD 0.006%). This variant has not been reported in the literature in individuals affected with AXIN2-related conditions. ClinVar contains an entry for this variant (Variation ID: 570274). An algorithm developed to predict the effect of missense changes on protein structure and function outputs the following: PolyPhen-2: "Benign". The serine amino acid residue is found in multiple mammalian species, which suggests that this missense change does not adversely affect protein function. In summary, the available evidence is currently insufficient to determine the role of this variant in disease. Therefore, it has been classified as a Variant of Uncertain Significance.

Quest Diagnostics Nichols Institute San Juan Capistrano
Classification: Uncertain significance. Last evaluated: 2025-02-10. Review status: criteria provided, single submitter. Criteria: Quest Diagnostics criteria. Collection method: clinical testing. Allele origin: unknown.
Comment: The AXIN2 c.2206C>T (p.Pro736Ser) variant has not been reported in individuals with AXIN2-related conditions in the published literature. The frequency of this variant in the general population (Genome Aggregation Database) is uninformative in the assessment of its pathogenicity. Analysis of this variant using bioinformatics tools for the prediction of the effect of amino acid changes on protein structure and function yielded predictions that this variant is benign. Based on the available information, we are unable to determine the clinical significance of this variant.

Sema4
Classification: Uncertain significance for Hereditary cancer-predisposing syndrome. Last evaluated: 2021-11-24. Review status: criteria provided, single submitter. Criteria: Sema4 Curation Guidelines. Collection method: curation. Allele origin: germline.
Comment: The AXIN2 c.2206C>T (p.P736S) variant has not been reported in the literature to our knowledge. It was observed in 1/18394 chromosomes of the East Asian subpopulation in the large and broad cohorts of the Genome Aggregation Database (PMID: 32461654). This variant has been reported in ClinVar (Variation ID: 570274). In silico tools suggest the impact of the variant on protein function is benign, though these predictions have not been confirmed by functional studies. The evidence is insufficient to meet ACMG/AMP criteria for classifying the variant as benign or pathogenic. Thus, the clinical significance of this variant is currently uncertain.